The following is an entry in ClinVar:

NM_018417.6(ADCY10):c.4651T>C (p.Cys1551Arg)

Gene: ADCY10 (adenylate cyclase 10; minus strand). Cytogenetic location: 1q24.2.
Variant type: single nucleotide variant.
Coding change: c.4651T>C on transcript NM_018417.6 (MANE Select); coding-DNA position 4651, T replaced by C.
Protein change: p.Cys1551Arg; replaces cysteine 1551 with arginine.
Molecular consequence: missense variant.
Genome position (GRCh38, 1-based): chr1:167,810,745, A>G on the plus strand (T>C on the coding strand, the complement: ADCY10 is on the minus strand). VCF-style: chr1-167810745-A-G. GRCh37 (hg19) VCF-style: chr1-167779982-A-G.
Other names: p.Cys1551Arg; c.4192T>C, p.Cys1398Arg (NM_001167749.3); c.4375T>C, p.Cys1459Arg (NM_001297772.2); short protein forms C1398R, C1459R, C1551R.
Identifiers: ClinVar variation 1078675 (VCV001078675.8), dbSNP rs61743401, ClinGen allele CA1226972.
Genomic context (GRCh38, chr1:167,810,745, plus strand): 5'-TGAGCATCGCCACCCCGGTTTGCTAGCTGATGATACATACTTTGTTCATGTTCAGCCAGC[A>G]TTTCTCCAGTATATTCCCCTGTGTTTCAGAGAGCCGCAAGGCTGTGTTCAGGAAGAGGCC-3'
Protein context (NP_060887.2, residues 1541-1561): SETQGNILEK[Cys1551Arg]WLNMNKESWY

ClinVar aggregate classification (germline): Likely benign. Review status: criteria provided, multiple submitters, no conflicts (2 of 4 stars). 2 submissions from 2 submitters: Likely benign (2). Last evaluated 2026-01-12.

Allele frequency attached by ClinVar (database versions not stated): gnomAD exomes 0.00015 and 0.00041; ExAC 0.00044; ESP Exome Variant Server 0.00115; gnomAD 0.00119 and 0.00133; 1000 Genomes Project 0.00120; TOPMed 0.00130; 1000 Genomes Project 30x 0.00141.
gnomAD v4.1: 407 of 1,614,194 alleles (0.025%); highest among the groups gnomAD compares: African/African-American, 0.42%; no homozygotes.

Submissions (2):

Labcorp Genetics (formerly Invitae), Labcorp
Classification: Likely benign. Last evaluated: 2026-01-12. Review status: criteria provided, single submitter. Criteria: Invitae Variant Classification Sherloc (09022015). Collection method: clinical testing. Allele origin: germline.

Mayo Clinic Laboratories, Mayo Clinic
Classification: Likely benign. Last evaluated: 2025-12-05. Review status: criteria provided, single submitter. Criteria: ACMG Guidelines, 2015. Collection method: clinical testing. Allele origin: germline. Observed: 1 variant allele.
Comment: BS1, BP4_moderate